The following is an entry in ClinVar:

NM_032242.4(PLXNA1):c.3079A>G (p.Ile1027Val)

Gene: PLXNA1 (plexin A1; plus strand). Cytogenetic location: 3q21.3.
Variant type: single nucleotide variant.
Coding change: c.3079A>G on transcript NM_032242.4 (MANE Select); coding-DNA position 3079, A replaced by G.
Protein change: p.Ile1027Val; replaces isoleucine 1027 with valine.
Molecular consequence: missense variant.
Genome position (GRCh38, 1-based): chr3:127,016,581, A>G. VCF-style: chr3-127016581-A-G. GRCh37 (hg19) VCF-style: chr3-126735424-A-G.
Other names: short protein forms I1027V.
Identifiers: ClinVar variation 2407426 (VCV002407426.4), dbSNP rs147142964, ClinGen allele CA2593888.

ClinVar aggregate classification (germline): Likely benign. Review status: criteria provided, single submitter (1 of 4 stars). 2 submissions from 2 submitters: Likely benign (1). 1 of the submissions does not count toward it. Last evaluated 2022-10-03.

Conditions:
PLXNA1-related disorder. Also called: PLXNA1-related condition.

Allele frequency attached by ClinVar (database versions not stated): ExAC 0.00001; gnomAD exomes 0.00001; TOPMed 0.00005; gnomAD 0.00006; ESP Exome Variant Server 0.00008.
gnomAD v4.1: 20 of 1,613,850 alleles (0.0012%); highest among the groups gnomAD compares: African/African-American, 0.021%; no homozygotes.

Submissions (2):

Ambry Genetics
Classification: Likely benign. Last evaluated: 2022-10-03. Review status: criteria provided, single submitter. Criteria: Ambry Variant Classification Scheme 2023. Collection method: clinical testing. Allele origin: germline.

PreventionGenetics, part of Exact Sciences
Classification: Uncertain significance for PLXNA1-related condition. Last evaluated: 2024-04-05. Review status: no assertion criteria provided. Collection method: clinical testing. Allele origin: germline. Not counted in ClinVar's aggregate classification.
Comment: The PLXNA1 c.3079A>G variant is predicted to result in the amino acid substitution p.Ile1027Val. To our knowledge, this variant has not been reported in the literature. Of note, in multiple vertebrate species a valine (Val) is present at the Ile1027 residue. This variant is reported in 0.0085% of alleles in individuals of Latino descent in gnomAD. At this time, the clinical significance of this variant is uncertain due to the absence of conclusive functional and genetic evidence.